The following is an entry in ClinVar:

ClinVar aggregate classification (germline): Uncertain significance (1 of 4 stars; one submission).

Conditions:
Hereditary cancer-predisposing syndrome. Also called: Neoplastic Syndromes, Hereditary; Hereditary Cancer Syndrome; Hereditary neoplastic syndrome; Tumor predisposition. Identifiers: Orphanet 140162, MedGen C0027672, MeSH D009386, MONDO:0015356.

Submission:

Ambry Genetics
Classification: Uncertain significance for Hereditary cancer-predisposing syndrome. Last evaluated: 2023-05-12. Review status: criteria provided, single submitter. Criteria: Ambry Variant Classification Scheme 2023. Collection method: clinical testing. Allele origin: germline.
Comment: The p.S27P variant (also known as c.79T>C), located in coding exon 1 of the CDKN1B gene, results from a T to C substitution at nucleotide position 79. The serine at codon 27 is replaced by proline, an amino acid with similar properties. This amino acid position is conserved. In addition, the in silico prediction for this alteration is inconclusive. Since supporting evidence is limited at this time, the clinical significance of this alteration remains unclear.

NM_004064.5(CDKN1B):c.79T>C (p.Ser27Pro)

Gene: CDKN1B (cyclin dependent kinase inhibitor 1B; plus strand). Cytogenetic location: 12p13.1.
Variant type: single nucleotide variant.
Coding change: c.79T>C on transcript NM_004064.5 (MANE Select); coding-DNA position 79, T replaced by C.
Protein change: p.Ser27Pro; replaces serine 27 with proline.
Molecular consequence: missense variant.
Genome position (GRCh38, 1-based): chr12:12,717,918, T>C. VCF-style: chr12-12717918-T-C. GRCh37 (hg19) VCF-style: chr12-12870852-T-C.
Other names: short protein forms S27P.
Identifiers: ClinVar variation 2565427 (VCV002565427.2), dbSNP rs1946487784, ClinGen allele CA383968389.